The following is an entry in ClinVar:

NC_000017.11:g.50189539del

Gene: COL1A1 (collagen type I alpha 1 chain; minus strand). Cytogenetic location: 17q21.33.
Variant type: Deletion.
Genome position: GRCh38 VCF-style: chr17-50189536-TC-T. GRCh37 (hg19) VCF-style: chr17-48266897-TC-T.
Identifiers: ClinVar variation 2833744 (VCV002833744.3), dbSNP rs2509184739, ClinGen allele CA2739268241.
Genomic context (GRCh38, chr17:50,189,536, plus strand): 5'-ACGGGGACCTTTGCCGCCTTCTTTGCCAGCAGGACCAGGAGGGCCAGGGGGTCCAGCATT[TC>T]CCTGGATGAGGATAGGAGGGGCTGTCAGACTCCAGGGGGCTCTGGTGCATCATTGGGTCC-3'

ClinVar aggregate classification (germline): Pathogenic (1 of 4 stars; one submission).

Conditions:
Osteogenesis imperfecta type I (OI1). Also called: OI, TYPE I; OSTEOGENESIS IMPERFECTA TARDA; OSTEOGENESIS IMPERFECTA WITH BLUE SCLERAE; Osteogenesis imperfecta type 1; Lobstein's Disease; Lobstein disease. Identifiers: Orphanet 216796, Orphanet 666, MedGen C0023931, MONDO:0008146, OMIM 166200. Disease mechanism: loss of function.

Submission:

Labcorp Genetics (formerly Invitae), Labcorp
Classification: Pathogenic for Osteogenesis imperfecta type I. Last evaluated: 2023-02-01. Review status: criteria provided, single submitter. Criteria: Invitae Variant Classification Sherloc (09022015). Collection method: clinical testing. Allele origin: germline.
Comment: This variant is not present in population databases (gnomAD no frequency). This sequence change creates a premature translational stop signal (p.Gly890Glufs*218) in the COL1A1 gene. It is expected to result in an absent or disrupted protein product. Loss-of-function variants in COL1A1 are known to be pathogenic (PMID: 7942841, 9295084, 9443882). This variant has not been reported in the literature in individuals affected with COL1A1-related conditions. For these reasons, this variant has been classified as Pathogenic.

Literature cited by the submitters: PubMed 7942841; PubMed 9295084; PubMed 9443882.